The following is an entry in ClinVar:

ClinVar aggregate classification (germline): Uncertain significance. Review status: criteria provided, multiple submitters, no conflicts (2 of 4 stars). 6 submissions from 6 submitters: Uncertain significance (5). 1 of the submissions does not count toward it. Last evaluated 2025-05-01.

Conditions:
Cardiovascular phenotype. Identifiers: MedGen CN230736.
Familial long QT syndrome (RWS). Also called: Congenital long QT syndrome; Romano-Ward syndrome; VENTRICULAR FIBRILLATION WITH PROLONGED QT INTERVAL. Identifiers: Orphanet 768, MedGen C1141890, MONDO:0019171.
Long QT syndrome (LQTS). Identifiers: MedGen C0023976, MeSH D008133, MONDO:0002442. Disease mechanism: loss of function. Inheritance: Various modes of inheritance.

Allele frequency attached by ClinVar (database versions not stated): gnomAD 0.00001; gnomAD exomes 0.00001; TOPMed 0.00002; ExAC 0.00046.
gnomAD v4.1: 14 of 1,364,026 alleles (0.001%); highest among the groups gnomAD compares: South Asian, 0.0035%; no homozygotes.

Submissions (6):

CeGaT Center for Human Genetics Tuebingen
Classification: Uncertain significance. Last evaluated: 2025-05-01. Review status: criteria provided, single submitter. Criteria: CeGaT Center For Human Genetics Tuebingen Variant Classification Criteria Version 2. Collection method: clinical testing. Allele origin: germline. Affected: yes. Observed: 1 variant allele.
Comment: KCNH2: PM2, PP3

Labcorp Genetics (formerly Invitae), Labcorp
Classification: Uncertain significance for Long QT syndrome. Last evaluated: 2024-12-22. Review status: criteria provided, single submitter. Criteria: Invitae Variant Classification Sherloc (09022015). Collection method: clinical testing. Allele origin: germline.
Comment: This sequence change replaces aspartic acid, which is acidic and polar, with asparagine, which is neutral and polar, at codon 259 of the KCNH2 protein (p.Asp259Asn). The frequency data for this variant in the population databases is considered unreliable, as metrics indicate poor data quality at this position in the gnomAD database. This missense change has been observed in individual(s) with clinical features of KCNH2-related conditions (PMID: 19716085, 32383558). ClinVar contains an entry for this variant (Variation ID: 67527). An algorithm developed to predict the effect of missense changes on protein structure and function (PolyPhen-2) suggests that this variant¬†is likely to be tolerated. Experimental studies have shown that this missense change does not substantially affect KCNH2 function (PMID: 34002542). In summary, the available evidence is currently insufficient to determine the role of this variant in disease. Therefore, it has been classified as a Variant of Uncertain Significance.

GeneDx
Classification: Uncertain significance. Last evaluated: 2024-07-11. Review status: criteria provided, single submitter. Criteria: GeneDx Variant Classification Process June 2021. Collection method: clinical testing. Allele origin: germline. Affected: yes.
Comment: Identified in patients with LQTS in published literature (PMID: 32383558, 19716085); Not observed at significant frequency in large population cohorts (gnomAD); Published functional studies suggest that the p.(D259N) variant does not significantly affect KCNH2 function (PMID: 34002542, 38219013); In silico analysis indicates that this missense variant does not alter protein structure/function; This variant is associated with the following publications: (PMID: 19716085, 34002542, 32383558, 35932045, LiuY2024[Article], 38219013)

Clinical Genomics Laboratory, Washington University in St. Louis
Classification: Uncertain significance for Long QT syndrome. Last evaluated: 2023-09-12. Review status: criteria provided, single submitter. Criteria: ACMG Guidelines, 2015. Collection method: clinical testing. Allele origin: germline.
Comment: The KCNH2 c.775G>A (p.Asp259Asn) variant was identified in a heterozygous state. It has been reported in two individuals affected with long QT syndrome and one case of Sudden Unexpected Death in Epilepsy (SUDEP) (Westphal DS et al., PMID: 32383558; Kapplinger JD et al., PMID: 19716085; Soh MS et al.; PMID: 34002542). This variant has been reported the ClinVar database as a variant of uncertain significance by three submitters (ClinVar ID: 67527). It is only observed on 2/66574 alleles in the general population (gnomAD v.2.1.1), indicating it is not a common variant. Computational predictors are uncertain as to the impact of this variant on KCNH2 function. Due to limited information, and based on ACMG/AMP guidelines for variant interpretation (Richards S et al., PMID: 25741868), this variant is classified as being of uncertain significance at this time.

Ambry Genetics
Classification: Uncertain significance for Cardiovascular phenotype. Last evaluated: 2022-02-22. Review status: criteria provided, single submitter. Criteria: Ambry Variant Classification Scheme 2023. Collection method: clinical testing. Allele origin: germline.

Cardiovascular Biomedical Research Unit, Royal Brompton & Harefield NHS Foundation Trust
No classification provided. Condition: Familial long QT syndrome. Review status: no classification provided. Collection method: literature only. Allele origin: germline. Not counted in ClinVar's aggregate classification.
Comment: This variant has been reported as associated with Long QT syndrome in the following publications (PMID:19716085). This is a literature report, and does not necessarily reflect the clinical interpretation of the Imperial College / Royal Brompton Cardiovascular Genetics laboratory.

Literature cited by the submitters: PubMed 19716085 (cited by Labcorp Genetics (formerly Invitae), Labcorp and Cardiovascular Biomedical Research Unit, Royal Brompton & Harefield NHS Foundation Trust); PubMed 32383558 (cited by Labcorp Genetics (formerly Invitae), Labcorp); PubMed 34002542 (cited by Labcorp Genetics (formerly Invitae), Labcorp); PubMed 22581653 (cited by Cardiovascular Biomedical Research Unit, Royal Brompton & Harefield NHS Foundation Trust).

NM_000238.4(KCNH2):c.775G>A (p.Asp259Asn)

Gene: KCNH2 (potassium voltage-gated channel subfamily H member 2; minus strand). Cytogenetic location: 7q36.1.
Variant type: single nucleotide variant.
Coding change: c.775G>A on transcript NM_000238.4 (MANE Select); coding-DNA position 775, G replaced by A.
Protein change: p.Asp259Asn; replaces aspartic acid 259 with asparagine.
Molecular consequence: missense variant.
Genome position (GRCh38, 1-based): chr7:150,958,200, C>T on the plus strand (G>A on the coding strand, the complement: KCNH2 is on the minus strand). VCF-style: chr7-150958200-C-T. GRCh37 (hg19) VCF-style: chr7-150655288-C-T.
Other names: p.D259N:GAC>AAC; c.775G>A (LRG_288t1); c.487G>A, p.Asp163Asn (NM_001406753.1, NM_001406756.1); c.598G>A, p.Asp200Asn (NM_001406755.1); c.475G>A, p.Asp159Asn (NM_001406757.1); c.775G>A, p.Asp259Asn (NM_172056.3); short protein forms D259N, D163N, D159N, D200N.
Identifiers: ClinVar variation 67527 (VCV000067527.21), dbSNP rs199472876, ClinGen allele CA008804.
Genomic context (GRCh38, chr7:150,958,200, plus strand): 5'-CGCTGGCGCAGCTTTCTCGGGAGCGCGTCCGGGCCAGGCTGCAGCTGGAGCCCGAGGCGT[C>T]GGGGTTGAGGCTGTGCGCCCGGGGCGATGGGAGCTGGCCGGGCGCGCTGCGGGGCGGAGA-3'
Protein context (NP_000229.1, residues 249-269): PSPRAHSLNP[Asp259Asn]ASGSSCSLAR